The following is an entry in ClinVar:

NM_033124.5(DRC2):c.460G>A (p.Glu154Lys)

Gene: DRC2 (dynein regulatory complex subunit 2; plus strand). Cytogenetic location: 12q13.12.
Variant type: single nucleotide variant.
Coding change: c.460G>A on transcript NM_033124.5 (MANE Select); coding-DNA position 460, G replaced by A.
Protein change: p.Glu154Lys; replaces glutamic acid 154 with lysine.
Molecular consequence: missense variant.
Genome position (GRCh38, 1-based): chr12:48,914,563, G>A. VCF-style: chr12-48914563-G-A. GRCh37 (hg19) VCF-style: chr12-49308346-G-A.
Other names: c.31G>A, p.Glu11Lys (NM_001286957.2); short protein forms E154K, E11K.
Identifiers: ClinVar variation 4784743 (VCV004784743.1).

ClinVar aggregate classification (germline): Uncertain significance (1 of 4 stars; one submission).

Conditions:
Primary ciliary dyskinesia 27. Also called: CILIARY DYSKINESIA, PRIMARY, 27, WITHOUT SITUS INVERSUS. Identifiers: Orphanet 244, MedGen C3809701, MONDO:0014215, OMIM 615504.

gnomAD v4.1: 1 of 1,613,996 alleles (0.000062%); highest among the groups gnomAD compares: Non-Finnish European, 0.000085%; no homozygotes.

Submission:

Labcorp Genetics (formerly Invitae), Labcorp
Classification: Uncertain significance for Primary ciliary dyskinesia 27. Last evaluated: 2025-04-24. Review status: criteria provided, single submitter. Criteria: Invitae Variant Classification Sherloc (09022015). Collection method: clinical testing. Allele origin: germline.
Comment: This sequence change replaces glutamic acid, which is acidic and polar, with lysine, which is basic and polar, at codon 154 of the CCDC65 protein (p.Glu154Lys). This variant is not present in population databases (gnomAD no frequency). This variant has not been reported in the literature in individuals affected with CCDC65-related conditions. An algorithm developed to predict the effect of missense changes on protein structure and function (PolyPhen-2) suggests that this variant is likely to be tolerated. In summary, the available evidence is currently insufficient to determine the role of this variant in disease. Therefore, it has been classified as a Variant of Uncertain Significance.